The following is an entry in ClinVar:

ClinVar aggregate classification (germline): Likely benign (1 of 4 stars; one submission).

Allele frequency attached by ClinVar (database versions not stated): ExAC 0.00134; 1000 Genomes Project 0.00160; 1000 Genomes Project 30x 0.00187; TOPMed 0.00301; gnomAD 0.00308.
gnomAD v4.1: 6,414 of 1,232,270 alleles (0.52%); highest among the groups gnomAD compares: Non-Finnish European, 0.6%; 28 homozygotes.

Submission:

CeGaT Center for Human Genetics Tuebingen
Classification: Likely benign. Last evaluated: 2026-07-01. Review status: criteria provided, single submitter. Criteria: CeGaT Center For Human Genetics Tuebingen Variant Classification Criteria Version 2. Collection method: clinical testing. Allele origin: germline. Affected: yes. Observed: 4 variant alleles.
Comment: ARHGEF18: BS2

NM_001367823.1(ARHGEF18):c.936C>T (p.Cys312=)

Gene: ARHGEF18 (Rho/Rac guanine nucleotide exchange factor 18; plus strand). Cytogenetic location: 19p13.2.
Variant type: single nucleotide variant.
Coding change: c.936C>T on transcript NM_001367823.1 (MANE Select); coding-DNA position 936, C replaced by T.
Protein change: p.Cys312=; no amino-acid change (cysteine 312 retained).
Molecular consequence: synonymous variant.
Genome position (GRCh38, 1-based): chr19:7,383,172, C>T. VCF-style: chr19-7383172-C-T. GRCh37 (hg19) VCF-style: chr19-7448058-C-T.
Identifiers: ClinVar variation 2649157 (VCV002649157.22), dbSNP rs72992636, ClinGen allele CA9136248.
Genomic context (GRCh38, chr19:7,383,172, plus strand): 5'-GCGGGAGTGTGTCAATGGGCACCAGCTGTTGCAAGGGACCTTCTCCGGCCCCTCCAGCTG[C>T]CCCCTGTGTGGCAAACCTTTCTTGAGCTCAGGTAAGTCTGGTGGCCCAATCCATCCTCCT-3'
Protein context (NP_001354752.1, residues 302-322): LQGTFSGPSS[Cys312=]PLCGKPFLSS